The following is an entry in ClinVar:

NM_005589.4(ALDH6A1):c.1148T>G (p.Leu383Arg)

Genes: ALDH6A1 (aldehyde dehydrogenase 6 family member A1; minus strand), BBOF1 (basal body orientation factor 1; plus strand). Cytogenetic location: 14q24.3.
Variant type: single nucleotide variant.
Coding change: c.1148T>G on transcript NM_005589.4 (MANE Select); coding-DNA position 1148, T replaced by G.
Protein change: p.Leu383Arg; replaces leucine 383 with arginine.
Molecular consequence: missense variant.
Genome position (GRCh38, 1-based): chr14:74,066,781, A>C on the plus strand (T>G on the coding strand, the complement: ALDH6A1 is on the minus strand). VCF-style: chr14-74066781-A-C. GRCh37 (hg19) VCF-style: chr14-74533484-A-C.
Other names: c.1109T>G, p.Leu370Arg (NM_001278593.2); c.686T>G, p.Leu229Arg (NM_001278594.2); short protein forms L370R, L383R, L229R.
Identifiers: ClinVar variation 1389389 (VCV001389389.6), dbSNP rs2060473552, ClinGen allele CA390368431.

ClinVar aggregate classification (germline): Uncertain significance (1 of 4 stars; one submission).

Allele frequency attached by ClinVar (database versions not stated): gnomAD 0.00001.
gnomAD v4.1: 1 of 1,613,888 alleles (0.000062%); highest among the groups gnomAD compares: African/African-American, 0.0013%; no homozygotes.

Submission:

Labcorp Genetics (formerly Invitae), Labcorp
Classification: Uncertain significance. Last evaluated: 2022-08-16. Review status: criteria provided, single submitter. Criteria: Invitae Variant Classification Sherloc (09022015). Collection method: clinical testing. Allele origin: germline.
Comment: This sequence change replaces leucine, which is neutral and non-polar, with arginine, which is basic and polar, at codon 383 of the ALDH6A1 protein (p.Leu383Arg). This variant is not present in population databases (gnomAD no frequency). This variant has not been reported in the literature in individuals affected with ALDH6A1-related conditions. ClinVar contains an entry for this variant (Variation ID: 1389389). Algorithms developed to predict the effect of missense changes on protein structure and function (SIFT, PolyPhen-2, Align-GVGD) all suggest that this variant is likely to be disruptive. In summary, the available evidence is currently insufficient to determine the role of this variant in disease. Therefore, it has been classified as a Variant of Uncertain Significance.